The following is an entry in ClinVar:

ClinVar aggregate classification (germline): Uncertain significance. Review status: criteria provided, multiple submitters, no conflicts (2 of 4 stars). 2 submissions from 2 submitters: Uncertain significance (2). Last evaluated 2026-01-01.

Submissions (2):

CeGaT Center for Human Genetics Tuebingen
Classification: Uncertain significance. Last evaluated: 2026-01-01. Review status: criteria provided, single submitter. Criteria: CeGaT Center For Human Genetics Tuebingen Variant Classification Criteria Version 2. Collection method: clinical testing. Allele origin: germline. Affected: yes. Observed: 1 variant allele.
Comment: TRRAP: PM2, PP2

GeneDx
Classification: Uncertain significance. Last evaluated: 2024-09-09. Review status: criteria provided, single submitter. Criteria: GeneDx Variant Classification Process June 2021. Collection method: clinical testing. Allele origin: germline. Affected: yes.
Comment: Not observed at significant frequency in large population cohorts (gnomAD); In silico analysis indicates that this missense variant does not alter protein structure/function; Has not been previously published as pathogenic or benign to our knowledge

NM_001375524.1(TRRAP):c.5866A>C (p.Ile1956Leu)

Gene: TRRAP (transformation/transcription domain associated protein; plus strand). Cytogenetic location: 7q22.1.
Variant type: single nucleotide variant.
Coding change: c.5866A>C on transcript NM_001375524.1 (MANE Select); coding-DNA position 5866, A replaced by C.
Protein change: p.Ile1956Leu; replaces isoleucine 1956 with leucine.
Molecular consequence: missense variant.
Genome position (GRCh38, 1-based): chr7:98,955,233, A>C. VCF-style: chr7-98955233-A-C. GRCh37 (hg19) VCF-style: chr7-98552856-A-C.
Other names: c.5845A>C, p.Ile1949Leu (NM_001244580.2); c.5791A>C, p.Ile1931Leu (NM_003496.4); short protein forms I1931L, I1949L, I1956L.
Identifiers: ClinVar variation 3767397 (VCV003767397.5).